The following is an entry in ClinVar:

ClinVar aggregate classification (germline): Uncertain significance (1 of 4 stars; one submission).

Submission:

Dasa
Classification: Uncertain significance. Last evaluated: 2025-09-09. Review status: criteria provided, single submitter. Criteria: DASA Assertion Criteria. Collection method: clinical testing. Allele origin: germline.
Comment: NM_181882.3(PRX):c.649G>A (p.Ala217Thr) is a missense variant that results in the substitution of alanine with threonine. This variant is rare in population databases. Computational prediction algorithms are consistent with a benign effect. The currently available literature and clinical evidence are not sufficient to establish a definitive association between this variant and the reported condition. Therefore, this variant is classified as a variant of uncertain significance.

NM_181882.3(PRX):c.649G>A (p.Ala217Thr)

Gene: PRX (periaxin; minus strand). Cytogenetic location: 19q13.2.
Variant type: single nucleotide variant.
Coding change: c.649G>A on transcript NM_181882.3 (MANE Select); coding-DNA position 649, G replaced by A.
Protein change: p.Ala217Thr; replaces alanine 217 with threonine.
Molecular consequence: missense variant. On other transcripts: 3 prime UTR variant (1).
Genome position (GRCh38, 1-based): chr19:40,397,703, C>T on the plus strand (G>A on the coding strand, the complement: PRX is on the minus strand). VCF-style: chr19-40397703-C-T. GRCh37 (hg19) VCF-style: chr19-40903610-C-T.
Other names: c.934G>A, p.Ala312Thr (NM_001411127.1); c.*854G>A (NM_020956.2); short protein forms A217T, A312T.
Identifiers: ClinVar variation 4886081 (VCV004886081.2).